The following is an entry in ClinVar:

NM_000179.3(MSH6):c.3195C>A (p.Asn1065Lys)

Gene: MSH6 (mutS homolog 6; plus strand). Cytogenetic location: 2p16.3.
Variant type: single nucleotide variant.
Coding change: c.3195C>A on transcript NM_000179.3 (MANE Select); coding-DNA position 3195, C replaced by A.
Protein change: p.Asn1065Lys; replaces asparagine 1065 with lysine.
Molecular consequence: missense variant.
Genome position (GRCh38, 1-based): chr2:47,803,442, C>A. VCF-style: chr2-47803442-C-A. GRCh37 (hg19) VCF-style: chr2-48030581-C-A.
Other names: c.2805C>A, p.Asn935Lys (NM_001281492.2); c.2289C>A, p.Asn763Lys (NM_001281493.2, NM_001281494.2, NM_001406811.1 and 6 more transcripts); c.3291C>A, p.Asn1097Lys (NM_001406795.1, NM_001406802.1); c.3195C>A, p.Asn1065Lys (NM_001406796.1, NM_001406800.1, NM_001406808.1 and 1 more transcripts); c.2898C>A, p.Asn966Lys (NM_001406797.1, NM_001406801.1, NM_001406805.1 and 10 more transcripts); c.2670C>A, p.Asn890Lys (NM_001406799.1, NM_001406806.1, NM_001406807.1); c.2331C>A, p.Asn777Lys (NM_001406803.1); c.3117C>A, p.Asn1039Lys (NM_001406804.1); and 6 more; short protein forms N1039K, N1067K, N14K, N890K, N1097K, N380K, N935K, N1009K.
Identifiers: ClinVar variation 1728704 (VCV001728704.2), dbSNP rs759260316, ClinGen allele CA346757855.

ClinVar aggregate classification (germline): Uncertain significance (1 of 4 stars; one submission).

Conditions:
Hereditary cancer-predisposing syndrome. Also called: Tumor predisposition; Neoplastic Syndromes, Hereditary; Hereditary Cancer Syndrome; Hereditary neoplastic syndrome. Identifiers: Orphanet 140162, MedGen C0027672, MeSH D009386, MONDO:0015356.

Submission:

Ambry Genetics
Classification: Uncertain significance for Hereditary cancer-predisposing syndrome. Last evaluated: 2021-01-05. Review status: criteria provided, single submitter. Criteria: Ambry Variant Classification Scheme 2023. Collection method: clinical testing. Allele origin: germline.
Comment: The p.N1065K variant (also known as c.3195C>A), located in coding exon 5 of the MSH6 gene, results from a C to A substitution at nucleotide position 3195. The asparagine at codon 1065 is replaced by lysine, an amino acid with similar properties. This amino acid position is not well conserved in available vertebrate species. In addition, this alteration is predicted to be tolerated by in silico analysis. Since supporting evidence is limited at this time, the clinical significance of this alteration remains unclear.